The following is an entry in ClinVar:

NM_017654.4(SAMD9):c.3946A>C (p.Asn1316His)

Gene: SAMD9 (sterile alpha motif domain containing 9; minus strand). Cytogenetic location: 7q21.2.
Variant type: single nucleotide variant.
Coding change: c.3946A>C on transcript NM_017654.4 (MANE Select); coding-DNA position 3946, A replaced by C.
Protein change: p.Asn1316His; replaces asparagine 1316 with histidine.
Molecular consequence: missense variant.
Genome position (GRCh38, 1-based): chr7:93,102,152, T>G on the plus strand (A>C on the coding strand, the complement: SAMD9 is on the minus strand). VCF-style: chr7-93102152-T-G. GRCh37 (hg19) VCF-style: chr7-92731465-T-G.
Other names: c.3946A>C, p.Asn1316His (NM_001193307.2); short protein forms N1316H.
Identifiers: ClinVar variation 4863783 (VCV004863783.1).

ClinVar aggregate classification (germline): Uncertain significance (1 of 4 stars; one submission).

Conditions:
Inborn genetic diseases. Identifiers: MedGen C0950123, MeSH D030342.

Submission:

Ambry Genetics
Classification: Uncertain significance for Inborn genetic diseases. Last evaluated: 2026-03-30. Review status: criteria provided, single submitter. Criteria: Ambry Variant Classification Scheme 2023. Collection method: clinical testing. Allele origin: germline.
Comment: The p.N1316H variant (also known as c.3946A>C), located in coding exon 1 of the SAMD9 gene, results from an A to C substitution at nucleotide position 3946. The asparagine at codon 1316 is replaced by histidine, an amino acid with similar properties. This amino acid position is conserved. In addition, this alteration is predicted to be tolerated by in silico analysis. Based on the available evidence, the clinical significance of this variant remains unclear.